The following is an entry in ClinVar:

ClinVar aggregate classification (germline): Pathogenic (1 of 4 stars; one submission).

Conditions:
Werner syndrome (WRN). Identifiers: Orphanet 902, MedGen C0043119, MONDO:0010196, OMIM 277700.

Submission:

Labcorp Genetics (formerly Invitae), Labcorp
Classification: Pathogenic for Werner syndrome. Last evaluated: 2022-08-08. Review status: criteria provided, single submitter. Criteria: Invitae Variant Classification Sherloc (09022015). Collection method: clinical testing. Allele origin: germline.
Comment: For these reasons, this variant has been classified as Pathogenic. This sequence change creates a premature translational stop signal (p.Gly80*) in the WRN gene. It is expected to result in an absent or disrupted protein product. Loss-of-function variants in WRN are known to be pathogenic (PMID: 16673358). This variant is not present in population databases (gnomAD no frequency). This variant has not been reported in the literature in individuals affected with WRN-related conditions.

Literature cited by the submitters: PubMed 16673358.

NM_000553.6(WRN):c.238G>T (p.Gly80Ter)

Gene: WRN (WRN RecQ like helicase; plus strand). Cytogenetic location: 8p12.
Variant type: single nucleotide variant.
Coding change: c.238G>T on transcript NM_000553.6 (MANE Select); coding-DNA position 238, G replaced by T.
Protein change: p.Gly80Ter; replaces glycine 80 with a stop codon.
Molecular consequence: nonsense.
Genome position (GRCh38, 1-based): chr8:31,064,317, G>T. VCF-style: chr8-31064317-G-T. GRCh37 (hg19) VCF-style: chr8-30921833-G-T.
Other names: short protein forms G80*.
Identifiers: ClinVar variation 2022275 (VCV002022275.4), dbSNP rs2535880745, ClinGen allele CA370913941.